The following is an entry in ClinVar:

NM_006513.4(SARS1):c.956A>G (p.His319Arg)

Gene: SARS1 (seryl-tRNA synthetase 1; plus strand). Cytogenetic location: 1p13.3.
Variant type: single nucleotide variant.
Coding change: c.956A>G on transcript NM_006513.4 (MANE Select); coding-DNA position 956, A replaced by G.
Protein change: p.His319Arg; replaces histidine 319 with arginine.
Molecular consequence: missense variant.
Genome position (GRCh38, 1-based): chr1:109,235,418, A>G. VCF-style: chr1-109235418-A-G. GRCh37 (hg19) VCF-style: chr1-109778040-A-G.
Other names: c.956A>G, p.His319Arg (NM_001330669.1); short protein forms H319R.
Identifiers: ClinVar variation 3342118 (VCV003342118.16).

ClinVar aggregate classification (germline): Uncertain significance (1 of 4 stars; one submission).

Submission:

CeGaT Center for Human Genetics Tuebingen
Classification: Uncertain significance. Last evaluated: 2024-08-01. Review status: criteria provided, single submitter. Criteria: CeGaT Center For Human Genetics Tuebingen Variant Classification Criteria Version 2. Collection method: clinical testing. Allele origin: germline. Affected: yes. Observed: 1 variant allele.
Comment: SARS1: PM2